The following is an entry in ClinVar:

NM_018139.3(DNAAF2):c.1895_1898del (p.Asn632fs)

Gene: DNAAF2 (dynein axonemal assembly factor 2; minus strand). Cytogenetic location: 14q21.3.
Variant type: Deletion.
Coding change: c.1895_1898del on transcript NM_018139.3 (MANE Select); coding-DNA positions 1895 to 1898, 4 bases deleted (ATGA; older notation c.1895_1898delATGA).
Protein change: p.Asn632fs; shifts the reading frame from asparagine 632.
Molecular consequence: frameshift variant. On other transcripts: intron variant (2).
Genome position (GRCh38, 1-based): chr14:49,628,121-49,628,124, TCAT deleted on the plus strand (ATGA on the coding strand, the reverse complement: DNAAF2 is on the minus strand); deleting any 4 consecutive bases within chr14:49,628,121-49,628,125 gives the same sequence; the c. name uses the placement nearest the transcript's 3' end. VCF-style (leftmost placement, unchanged base first): chr14-49628120-CTCAT-C. GRCh37 (hg19) VCF-style: chr14-50094838-CTCAT-C.
Other names: c.1864-2076_1864-2073del (NM_001083908.2); c.-204-2076_-204-2073del (NM_001378453.1); short protein forms N632fs.
Identifiers: ClinVar variation 2753002 (VCV002753002.3), dbSNP rs1220968996, ClinGen allele CA613830910.

ClinVar aggregate classification (germline): Pathogenic (1 of 4 stars; one submission).

Conditions:
Primary ciliary dyskinesia. Also called: Ciliary dyskinesia. Identifiers: Orphanet 244, MedGen C0008780, MONDO:0016575, HP:0012265.

Submission:

Labcorp Genetics (formerly Invitae), Labcorp
Classification: Pathogenic for Primary ciliary dyskinesia. Last evaluated: 2022-11-24. Review status: criteria provided, single submitter. Criteria: Invitae Variant Classification Sherloc (09022015). Collection method: clinical testing. Allele origin: germline.
Comment: This variant has not been reported in the literature in individuals affected with DNAAF2-related conditions. For these reasons, this variant has been classified as Pathogenic. This variant is present in population databases (no rsID available, gnomAD 0.002%). This sequence change creates a premature translational stop signal (p.Asn632Serfs*7) in the DNAAF2 gene. It is expected to result in an absent or disrupted protein product. Loss-of-function variants in DNAAF2 are known to be pathogenic (PMID: 19052621, 24498942).

Literature cited by the submitters: PubMed 19052621; PubMed 24498942.